The following is an entry in ClinVar:

ClinVar aggregate classification (germline): Uncertain significance (1 of 4 stars; one submission).

Conditions:
Hematuria, benign familial, 1 (BFH1). Also called: THIN MEMBRANE NEPHROPATHY. Identifiers: MedGen CN376803, MONDO:0007709, OMIM 141200.

Submission:

Molecular Genetics, Royal Melbourne Hospital
Classification: Uncertain significance for Hematuria, benign familial, 1. Last evaluated: 2023-03-30. Review status: criteria provided, single submitter. Criteria: ACMG Guidelines, 2015. Collection method: clinical testing. Allele origin: germline. Affected: yes.
Comment: This sequence change in COL4A3 is an intronic variant located in intron 38. This variant is absent from gnomAD v2.1 and v3.1. To our knowledge, this variant has not been reported in the literature in any individuals with COL4A3-related disease. The results from multiple in silico splicing predictors (SpliceAI, MaxEntScan, NNSplice) indicate that this variant may not impact splicing of the donor splice site of intron 38 of COL4A3. Based on the classification scheme RMH Modified ACMG Guidelines v1.5.1, this variant is classified as a VARIANT OF UNCERTAIN SIGNIFICANCE. Following criteria are met: PM2_Supporting, BP4.

NM_000091.5(COL4A3):c.3337+7C>A

Genes: COL4A3 (collagen type IV alpha 3 chain; plus strand), MFF-DT (MFF divergent transcript; minus strand). Cytogenetic location: 2q36.3.
Variant type: single nucleotide variant.
Coding change: c.3337+7C>A on transcript NM_000091.5 (MANE Select); 7 bases into the intron after coding-DNA position 3337, C replaced by A.
Molecular consequence: intron variant.
Genome position (GRCh38, 1-based): chr2:227,293,324, C>A. VCF-style: chr2-227293324-C-A. GRCh37 (hg19) VCF-style: chr2-228158040-C-A.
Identifiers: ClinVar variation 3068630 (VCV003068630.1), dbSNP rs2469850613, ClinGen allele CA2573051254.